The following is an entry in ClinVar:

NM_015662.3(IFT172):c.2365C>T (p.Arg789Ter)

Gene: IFT172 (intraflagellar transport 172; minus strand). Cytogenetic location: 2p23.3.
Variant type: single nucleotide variant.
Coding change: c.2365C>T on transcript NM_015662.3 (MANE Select); coding-DNA position 2365, C replaced by T.
Protein change: p.Arg789Ter; replaces arginine 789 with a stop codon.
Molecular consequence: nonsense.
Genome position (GRCh38, 1-based): chr2:27,461,346, G>A on the plus strand (C>T on the coding strand, the complement: IFT172 is on the minus strand). VCF-style: chr2-27461346-G-A. GRCh37 (hg19) VCF-style: chr2-27684213-G-A.
Other names: short protein forms R789*.
Identifiers: ClinVar variation 816981 (VCV000816981.18), dbSNP rs202024173, ClinGen allele CA1580329.

ClinVar aggregate classification (germline): Pathogenic/Likely pathogenic. Review status: criteria provided, multiple submitters, no conflicts (2 of 4 stars). 8 submissions from 8 submitters: Pathogenic (3); Likely pathogenic (5). Last evaluated 2026-04-02.

Conditions:
IFT172-related disorder. Also called: IFT172-related condition; IFT172-related disorders.
Bardet-Biedl syndrome 20. Identifiers: MedGen C4310707, MONDO:0023670, OMIM 619471, MONDO:0014926.
Short-rib thoracic dysplasia 10 with or without polydactyly (SRTD10). Identifiers: Orphanet 474, MedGen C3810175, MONDO:0014284, OMIM 615630.
Retinitis pigmentosa 71 (RP71). Identifiers: Orphanet 791, MedGen C4225342, MONDO:0014618, OMIM 616394.

Allele frequency attached by ClinVar (database versions not stated): ExAC 0.00001; gnomAD 0.00001; gnomAD exomes 0.00001; TOPMed 0.00001; 1000 Genomes Project 0.00020; 1000 Genomes Project 30x 0.00031.
gnomAD v4.1: 34 of 1,614,126 alleles (0.0021%); highest among the groups gnomAD compares: South Asian, 0.0033%; no homozygotes.

Submissions (8):

PreventionGenetics, part of Exact Sciences
Classification: Pathogenic for IFT172-related condition. Last evaluated: 2026-04-02. Review status: criteria provided, single submitter. Criteria: ACMG Guidelines, 2015. Collection method: clinical testing. Allele origin: germline.
Comment: The IFT172 c.2365C>T variant is predicted to result in premature protein termination (p.Arg789*). To our knowledge, this variant has not been reported in the literature in individuals with IFT172-related disorders. This variant is reported in 0.0062% of alleles in individuals of African descent in gnomAD. Nonsense variants in IFT172 are expected to be pathogenic. This variant is interpreted as pathogenic.

Labcorp Genetics (formerly Invitae), Labcorp
Classification: Pathogenic for Retinitis pigmentosa 71; Short-rib thoracic dysplasia 10 with or without polydactyly. Last evaluated: 2026-01-26. Review status: criteria provided, single submitter. Criteria: Invitae Variant Classification Sherloc (09022015). Collection method: clinical testing. Allele origin: germline.
Comment: This sequence change creates a premature translational stop signal (p.Arg789*) in the IFT172 gene. It is expected to result in an absent or disrupted protein product. Loss-of-function variants in IFT172 are known to be pathogenic (PMID: 24140113). This variant is present in population databases (rs202024173, gnomAD 0.01%). This variant has not been reported in the literature in individuals affected with IFT172-related conditions. ClinVar contains an entry for this variant (Variation ID: 816981). For these reasons, this variant has been classified as Pathogenic.

Fulgent Genetics
Classification: Likely pathogenic for Short-rib thoracic dysplasia 10 with or without polydactyly; Retinitis pigmentosa 71; Bardet-Biedl syndrome 20. Last evaluated: 2024-05-18. Review status: criteria provided, single submitter. Criteria: ACMG Guidelines, 2015. Collection method: clinical testing. Allele origin: germline.

Baylor Genetics
Classification: Likely pathogenic for Short-rib thoracic dysplasia 10 with or without polydactyly. Last evaluated: 2023-10-26. Review status: criteria provided, single submitter. Criteria: ACMG Guidelines, 2015. Collection method: clinical testing. Allele origin: unknown.

Genetics and Genomic Medicine Centre, NeuroGen Healthcare, NeuroGen Healthcare
Classification: Pathogenic for Bardet-Biedl syndrome 20. Last evaluated: 2021-10-04. Review status: criteria provided, single submitter. Criteria: Submitter's publication. Collection method: clinical testing. Allele origin: unknown. Affected: no.

Blueprint Genetics
Classification: Likely pathogenic for IFT172-related disorders. Last evaluated: 2020-03-05. Review status: criteria provided, single submitter. Criteria: ACMG Guidelines, 2015. Collection method: clinical testing. Allele origin: germline. Affected: yes. Observed: 2 variant alleles.

Revvity Omics, Revvity
Classification: Likely pathogenic. Last evaluated: 2019-06-28. Review status: criteria provided, single submitter. Criteria: ACMG Guidelines, 2015. Collection method: clinical testing. Allele origin: germline.

GeneDx
Classification: Likely pathogenic. Last evaluated: 2019-02-20. Review status: criteria provided, single submitter. Criteria: GeneDx Variant Classification (06012015). Collection method: clinical testing. Allele origin: germline. Affected: yes.
Comment: The R789X variant has not been published as a pathogenic variant, nor has it been reported as a benign variant to our knowledge. The R789X variant is observed in 2/15302 (0.01%) alleles from individuals of African background in large population cohorts (Lek et al., 2016). The R789X nonsense variant is predicted to cause loss of normal protein function either through protein truncation or nonsense-mediated mRNA decay. Therefore, this variant is likely pathogenic; however, the possibility that it is benign cannot be excluded.

Literature cited by the submitters: PubMed 24140113 (cited by Labcorp Genetics (formerly Invitae), Labcorp).